The following is an entry in ClinVar:

ClinVar aggregate classification (germline): Conflicting classifications of pathogenicity. Review status: criteria provided, conflicting classifications (1 of 4 stars). 5 submissions from 5 submitters: Uncertain significance (4); Benign (1). Last evaluated 2025-11-20.

Conditions:
PIEZO1-related disorder. Also called: PIEZO1-related condition; PIEZO1-Related Disorders.
Inborn genetic diseases. Identifiers: MedGen C0950123, MeSH D030342.

Allele frequency attached by ClinVar (database versions not stated): gnomAD exomes 0.00002; ExAC 0.00005; 1000 Genomes Project 30x 0.00016; 1000 Genomes Project 0.00020.
gnomAD v4.1: 129 of 1,550,058 alleles (0.0083%); highest among the groups gnomAD compares: Admixed American, 0.059%; 5 homozygotes.

Submissions (5):

Ambry Genetics
Classification: Uncertain significance for Inborn genetic diseases. Last evaluated: 2025-11-20. Review status: criteria provided, single submitter. Criteria: Ambry Variant Classification Scheme 2023. Collection method: clinical testing. Allele origin: germline.

Labcorp Genetics (formerly Invitae), Labcorp
Classification: Benign. Last evaluated: 2025-11-18. Review status: criteria provided, single submitter. Criteria: Invitae Variant Classification Sherloc (09022015). Collection method: clinical testing. Allele origin: germline.

PreventionGenetics, part of Exact Sciences
Classification: Uncertain significance for PIEZO1-related condition. Last evaluated: 2025-01-24. Review status: criteria provided, single submitter. Criteria: ACMG Guidelines, 2015. Collection method: clinical testing. Allele origin: germline.
Comment: The PIEZO1 c.6692C>T variant is predicted to result in the amino acid substitution p.Ser2231Phe. To our knowledge, this variant has not been reported in the literature. This variant is reported in 0.0078% of alleles in individuals of Latino descent in gnomAD. At this time, the clinical significance of this variant is uncertain due to the absence of conclusive functional and genetic evidence.

Revvity Omics, Revvity
Classification: Uncertain significance. Last evaluated: 2022-11-14. Review status: criteria provided, single submitter. Criteria: ACMG Guidelines, 2015. Collection method: clinical testing. Allele origin: germline.

GeneDx
Classification: Uncertain significance. Last evaluated: 2020-06-23. Review status: criteria provided, single submitter. Criteria: GeneDx Variant Classification Process June 2021. Collection method: clinical testing. Allele origin: germline. Affected: yes.
Comment: In silico analysis supports that this missense variant has a deleterious effect on protein structure/function; Has not been previously published as pathogenic or benign to our knowledge

NM_001142864.4(PIEZO1):c.6692C>T (p.Ser2231Phe)

Gene: PIEZO1 (piezo type mechanosensitive ion channel component 1 (Er blood group); minus strand). Cytogenetic location: 16q24.3.
Variant type: single nucleotide variant.
Coding change: c.6692C>T on transcript NM_001142864.4 (MANE Select); coding-DNA position 6692, C replaced by T.
Protein change: p.Ser2231Phe; replaces serine 2231 with phenylalanine.
Molecular consequence: missense variant.
Genome position (GRCh38, 1-based): chr16:88,716,867, G>A on the plus strand (C>T on the coding strand, the complement: PIEZO1 is on the minus strand). VCF-style: chr16-88716867-G-A. GRCh37 (hg19) VCF-style: chr16-88783275-G-A.
Other names: c.6692C>T (NM_001142864.3); short protein forms S2231F.
Identifiers: ClinVar variation 1312763 (VCV001312763.10), dbSNP rs575482829, ClinGen allele CA8231512.